The following is an entry in ClinVar:

NM_001330260.2(SCN8A):c.572G>A (p.Arg191Gln)

Gene: SCN8A (sodium voltage-gated channel alpha subunit 8; plus strand). Cytogenetic location: 12q13.13.
Variant type: single nucleotide variant.
Coding change: c.572G>A on transcript NM_001330260.2 (MANE Select); coding-DNA position 572, G replaced by A.
Protein change: p.Arg191Gln; replaces arginine 191 with glutamine.
Molecular consequence: missense variant.
Genome position (GRCh38, 1-based): chr12:51,687,177, G>A. VCF-style: chr12-51687177-G-A. GRCh37 (hg19) VCF-style: chr12-52080961-G-A.
Other names: c.572G>A, p.Arg191Gln (NM_001177984.3, NM_001369788.1, NM_014191.4); short protein forms R191Q.
Identifiers: ClinVar variation 954553 (VCV000954553.10), dbSNP rs1345271275, ClinGen allele CA385222587.
Genomic context (GRCh38, chr12:51,687,177, plus strand): 5'-TTGAATCACTAGTGAAAATCATTGCAAGAGGTTTCTGCATAGATGGCTTTACCTTTTTAC[G>A]GGACCCATGGAACTGGTTAGATTTCAGTGTCATCATGATGGCGTAAGTTCTCCCCTTACT-3'
Protein context (NP_001317189.1, residues 181-201): GFCIDGFTFL[Arg191Gln]DPWNWLDFSV

ClinVar aggregate classification (germline): Uncertain significance (1 of 4 stars; one submission).

Conditions:
Early-infantile DEE. Also called: Early infantile epileptic encephalopathy; Ohtahara syndrome; Early infantile epileptic encephalopathy with suppression bursts. Identifiers: Orphanet 1934, MedGen C0393706, MONDO:0800491.

Allele frequency attached by ClinVar (database versions not stated): gnomAD exomes below 0.00001.
gnomAD v4.1: 4 of 1,613,436 alleles (0.00025%); highest among the groups gnomAD compares: Admixed American, 0.0017%; no homozygotes.

Submission:

Labcorp Genetics (formerly Invitae), Labcorp
Classification: Uncertain significance for Early-infantile DEE. Last evaluated: 2025-08-15. Review status: criteria provided, single submitter. Criteria: Invitae Variant Classification Sherloc (09022015). Collection method: clinical testing. Allele origin: germline.
Comment: This sequence change replaces arginine, which is basic and polar, with glutamine, which is neutral and polar, at codon 191 of the SCN8A protein (p.Arg191Gln). This variant is present in population databases (no rsID available, gnomAD 0.003%). This missense change has been observed in individual(s) with epilepsy (PMID: 31069529). ClinVar contains an entry for this variant (Variation ID: 954553). Invitae Evidence Modeling of protein sequence and biophysical properties (such as structural, functional, and spatial information, amino acid conservation, physicochemical variation, residue mobility, and thermodynamic stability) indicates that this missense variant is expected to disrupt SCN8A protein function with a positive predictive value of 95%. In summary, the available evidence is currently insufficient to determine the role of this variant in disease. Therefore, it has been classified as a Variant of Uncertain Significance.

Literature cited by the submitters: PubMed 31069529.